The following is an entry in ClinVar:

ClinVar aggregate classification (germline): Uncertain significance. Review status: criteria provided, multiple submitters, no conflicts (2 of 4 stars). 3 submissions from 3 submitters: Uncertain significance (3). Last evaluated 2025-06-01.

Conditions:
Mowat-Wilson syndrome (MOWS). Also called: Classic Mowat-Wilson Syndrome. Identifiers: Orphanet 2152, MedGen C1856113, MONDO:0009341, OMIM 235730.
ZEB2-related disorder. Also called: ZEB2-related condition.
Inborn genetic diseases. Identifiers: MedGen C0950123, MeSH D030342.

Allele frequency attached by ClinVar (database versions not stated): gnomAD 0.00002; TOPMed 0.00003.

Submissions (3):

Labcorp Genetics (formerly Invitae), Labcorp
Classification: Uncertain significance for Mowat-Wilson syndrome. Last evaluated: 2025-06-01. Review status: criteria provided, single submitter. Criteria: Invitae Variant Classification Sherloc (09022015). Collection method: clinical testing. Allele origin: germline.
Comment: This sequence change replaces aspartic acid, which is acidic and polar, with asparagine, which is neutral and polar, at codon 33 of the ZEB2 protein (p.Asp33Asn). This variant is not present in population databases (gnomAD no frequency). This variant has not been reported in the literature in individuals affected with ZEB2-related conditions. ClinVar contains an entry for this variant (Variation ID: 1055240). Invitae Evidence Modeling of protein sequence and biophysical properties (such as structural, functional, and spatial information, amino acid conservation, physicochemical variation, residue mobility, and thermodynamic stability) indicates that this missense variant is not expected to disrupt ZEB2 protein function with a negative predictive value of 80%. In summary, the available evidence is currently insufficient to determine the role of this variant in disease. Therefore, it has been classified as a Variant of Uncertain Significance.

PreventionGenetics, part of Exact Sciences
Classification: Uncertain significance for ZEB2-related condition. Last evaluated: 2023-07-11. Review status: criteria provided, single submitter. Criteria: ACMG Guidelines, 2015. Collection method: clinical testing. Allele origin: germline.
Comment: The ZEB2 c.97G>A variant is predicted to result in the amino acid substitution p.Asp33Asn. To our knowledge, this variant has not been reported in the literature or in a large population database, indicating this variant is rare. At this time, the clinical significance of this variant is uncertain due to the absence of conclusive functional and genetic evidence.

Ambry Genetics
Classification: Uncertain significance for Inborn genetic diseases. Last evaluated: 2019-05-02. Review status: criteria provided, single submitter. Criteria: Ambry Variant Classification Scheme 2023. Collection method: clinical testing. Allele origin: germline.
Comment: The p.D33N variant (also known as c.97G>A), located in coding exon 2 of the ZEB2 gene, results from a G to A substitution at nucleotide position 97. The aspartic acid at codon 33 is replaced by asparagine, an amino acid with highly similar properties. This amino acid position is not well conserved in available vertebrate species. In addition, the in silico prediction for this alteration is inconclusive. Since supporting evidence is limited at this time, the clinical significance of this alteration remains unclear.

NM_014795.4(ZEB2):c.97G>A (p.Asp33Asn)

Gene: ZEB2 (zinc finger E-box binding homeobox 2; minus strand). Cytogenetic location: 2q22.3.
Variant type: single nucleotide variant.
Coding change: c.97G>A on transcript NM_014795.4 (MANE Select); coding-DNA position 97, G replaced by A.
Protein change: p.Asp33Asn; replaces aspartic acid 33 with asparagine.
Molecular consequence: missense variant.
Genome position (GRCh38, 1-based): chr2:144,430,003, C>T on the plus strand (G>A on the coding strand, the complement: ZEB2 is on the minus strand). VCF-style: chr2-144430003-C-T. GRCh37 (hg19) VCF-style: chr2-145187570-C-T.
Other names: c.97G>A, p.Asp33Asn (NM_001171653.2); short protein forms D33N.
Identifiers: ClinVar variation 1055240 (VCV001055240.12), dbSNP rs1460150528, ClinGen allele CA348719081.